The following is an entry in ClinVar:

NM_001042492.3(NF1):c.4726del (p.His1576fs)

Gene: NF1 (neurofibromin 1; plus strand). Cytogenetic location: 17q11.2.
Variant type: Deletion.
Coding change: c.4726del on transcript NM_001042492.3 (MANE Select); coding-DNA position 4726, one base deleted (C; older notation c.4726delC).
Protein change: p.His1576fs; shifts the reading frame from histidine 1576.
Molecular consequence: frameshift variant.
Genome position (GRCh38, 1-based): chr17:31,265,230, C deleted. VCF-style (leftmost placement, unchanged base first): chr17-31265229-GC-G. GRCh37 (hg19) VCF-style: chr17-29592247-GC-G.
Other names: c.4663delC, p.His1555Ilefs (NM_000267.4); short protein forms H1576fs, H1555fs.
Identifiers: ClinVar variation 3649803 (VCV003649803.2).

ClinVar aggregate classification (germline): Pathogenic (1 of 4 stars; one submission).

Conditions:
Neurofibromatosis, type 1 (NF1). Also called: Peripheral type neurofibromatosis; VON RECKLINGHAUSEN DISEASE; Neurofibromatosis, type I; NEUROFIBROMATOSIS, TYPE I, SOMATIC. Identifiers: Orphanet 636, MedGen C0027831, MONDO:0018975, OMIM 162200. Disease mechanism: loss of function.

Submission:

Labcorp Genetics (formerly Invitae), Labcorp
Classification: Pathogenic for Neurofibromatosis, type 1. Last evaluated: 2024-04-14. Review status: criteria provided, single submitter. Criteria: Invitae Variant Classification Sherloc (09022015). Collection method: clinical testing. Allele origin: germline.
Comment: This sequence change creates a premature translational stop signal (p.His1555Ilefs*12) in the NF1 gene. It is expected to result in an absent or disrupted protein product. Loss-of-function variants in NF1 are known to be pathogenic (PMID: 10712197, 23913538). This variant is not present in population databases (gnomAD no frequency). This variant has not been reported in the literature in individuals affected with NF1-related conditions. For these reasons, this variant has been classified as Pathogenic.

Literature cited by the submitters: PubMed 10712197; PubMed 23913538.